The following is an entry in ClinVar:

ClinVar aggregate classification (germline): Conflicting classifications of pathogenicity. Review status: criteria provided, conflicting classifications (1 of 4 stars). 2 submissions from 2 submitters: Uncertain significance (1); Likely benign (1). Last evaluated 2025-09-15.

Conditions:
Rhabdoid tumor predisposition syndrome 2 (RTPS2). Identifiers: Orphanet 231108, Orphanet 69077, MedGen C2750074, MONDO:0013224, OMIM 613325.
Hereditary cancer-predisposing syndrome. Also called: Hereditary neoplastic syndrome; Neoplastic Syndromes, Hereditary; Tumor predisposition; Hereditary Cancer Syndrome. Identifiers: Orphanet 140162, MedGen C0027672, MeSH D009386, MONDO:0015356.

Allele frequency attached by ClinVar (database versions not stated): TOPMed below 0.00001; gnomAD exomes 0.00001.
gnomAD v4.1: 9 of 1,551,010 alleles (0.00058%); highest among the groups gnomAD compares: East Asian, 0.0024%; no homozygotes.

Submissions (2):

Ambry Genetics
Classification: Likely benign for Hereditary cancer-predisposing syndrome. Last evaluated: 2025-09-15. Review status: criteria provided, single submitter. Criteria: Ambry Variant Classification Scheme 2023. Collection method: clinical testing. Allele origin: germline.

Labcorp Genetics (formerly Invitae), Labcorp
Classification: Uncertain significance for Rhabdoid tumor predisposition syndrome 2. Last evaluated: 2025-08-02. Review status: criteria provided, single submitter. Criteria: Invitae Variant Classification Sherloc (09022015). Collection method: clinical testing. Allele origin: germline.
Comment: This sequence change replaces arginine, which is basic and polar, with tryptophan, which is neutral and slightly polar, at codon 1645 of the SMARCA4 protein (p.Arg1645Trp). This variant is present in population databases (no rsID available, gnomAD 0.01%). This variant has not been reported in the literature in individuals affected with SMARCA4-related conditions. ClinVar contains an entry for this variant (Variation ID: 470426). Invitae Evidence Modeling of protein sequence and biophysical properties (such as structural, functional, and spatial information, amino acid conservation, physicochemical variation, residue mobility, and thermodynamic stability) has been performed for this missense variant. However, the output from this modeling did not meet the statistical confidence thresholds required to predict the impact of this variant on SMARCA4 protein function. In summary, the available evidence is currently insufficient to determine the role of this variant in disease. Therefore, it has been classified as a Variant of Uncertain Significance.

NM_003072.5(SMARCA4):c.4837C>T (p.Arg1613Trp)

Gene: SMARCA4 (SWI/SNF related BAF chromatin remodeling complex subunit ATPase 4; plus strand). Cytogenetic location: 19p13.2.
Variant type: single nucleotide variant.
Coding change: c.4837C>T on transcript NM_003072.5 (MANE Select); coding-DNA position 4837, C replaced by T.
Protein change: p.Arg1613Trp; replaces arginine 1613 with tryptophan.
Molecular consequence: missense variant. On other transcripts: non-coding transcript variant (1).
Genome position (GRCh38, 1-based): chr19:11,060,113, C>T. VCF-style: chr19-11060113-C-T. GRCh37 (hg19) VCF-style: chr19-11170789-C-T.
Other names: c.4837C>T, p.Arg1613Trp (NM_001128844.3); c.4747C>T, p.Arg1583Trp (NM_001128845.2); c.4744C>T, p.Arg1582Trp (NM_001128846.2); c.4738C>T, p.Arg1580Trp (NM_001128847.4, NM_001374457.1); c.4735C>T, p.Arg1579Trp (NM_001128848.2); c.4933C>T, p.Arg1645Trp (NM_001128849.3, NM_001387283.1); short protein forms R1645W, R1583W, R1613W, R1579W, R1580W, R1582W.
Identifiers: ClinVar variation 470426 (VCV000470426.14), dbSNP rs1370639203, ClinGen allele CA404080646.